The following is an entry in ClinVar:

NM_000557.5(GDF5):c.573C>G (p.Ser191Arg)

Gene: GDF5 (growth differentiation factor 5; minus strand). Cytogenetic location: 20q11.22.
Variant type: single nucleotide variant.
Coding change: c.573C>G on transcript NM_000557.5 (MANE Select); coding-DNA position 573, C replaced by G.
Protein change: p.Ser191Arg; replaces serine 191 with arginine.
Molecular consequence: missense variant.
Genome position (GRCh38, 1-based): chr20:35,437,356, G>C on the plus strand (C>G on the coding strand, the complement: GDF5 is on the minus strand). VCF-style: chr20-35437356-G-C. GRCh37 (hg19) VCF-style: chr20-34025136-G-C.
Other names: c.573C>G, p.Ser191Arg (NM_001319138.2); short protein forms S191R.
Identifiers: ClinVar variation 4745477 (VCV004745477.1).

ClinVar aggregate classification (germline): Uncertain significance (1 of 4 stars; one submission).

Submission:

Labcorp Genetics (formerly Invitae), Labcorp
Classification: Uncertain significance. Last evaluated: 2025-08-06. Review status: criteria provided, single submitter. Criteria: Invitae Variant Classification Sherloc (09022015). Collection method: clinical testing. Allele origin: germline.
Comment: This sequence change replaces serine, which is neutral and polar, with arginine, which is basic and polar, at codon 191 of the GDF5 protein (p.Ser191Arg). This variant is not present in population databases (gnomAD no frequency). This variant has not been reported in the literature in individuals affected with GDF5-related conditions. Invitae Evidence Modeling of protein sequence and biophysical properties (such as structural, functional, and spatial information, amino acid conservation, physicochemical variation, residue mobility, and thermodynamic stability) indicates that this missense variant is not expected to disrupt GDF5 protein function with a negative predictive value of 80%. In summary, the available evidence is currently insufficient to determine the role of this variant in disease. Therefore, it has been classified as a Variant of Uncertain Significance.